The following is an entry in ClinVar:

NM_001048174.2(MUTYH):c.897T>C (p.Pro299=)

Gene: MUTYH (mutY DNA glycosylase; minus strand). Cytogenetic location: 1p34.1.
Variant type: single nucleotide variant.
Coding change: c.897T>C on transcript NM_001048174.2 (MANE Select); coding-DNA position 897, T replaced by C.
Protein change: p.Pro299=; no amino-acid change (proline 299 retained).
Molecular consequence: synonymous variant. On other transcripts: non-coding transcript variant (2).
Genome position (GRCh38, 1-based): chr1:45,332,039, A>G on the plus strand (T>C on the coding strand, the complement: MUTYH is on the minus strand). VCF-style: chr1-45332039-A-G. GRCh37 (hg19) VCF-style: chr1-45797711-A-G.
Other names: c.897T>C, p.Pro299= (NM_001048171.2, NM_001048173.2, NM_001293195.2); c.900T>C, p.Pro300= (NM_001048172.2); c.981T>C, p.Pro327= (NM_001128425.2); c.942T>C, p.Pro314= (NM_001293190.2); c.930T>C, p.Pro310= (NM_001293191.2); c.621T>C, p.Pro207= (NM_001293192.2, NM_001293196.2); c.552T>C, p.Pro184= (NM_001350650.2, NM_001350651.2); c.972T>C, p.Pro324= (NM_012222.3).
Identifiers: ClinVar variation 215798 (VCV000215798.24), dbSNP rs149334084, ClinGen allele CA059841.
Genomic context (GRCh38, chr1:45,332,039, plus strand): 5'-CTGGGCCAGGAAGGGTTGGGGTGGGGGCTAGGTTTGGTGCTCACCACACTCCTCCACGTC[A>G]GGACTGCCCGACAGGCTCCCTGAGGCTAAGAGCTGTTCCTGCTCCACCTGAGAGGCACAG-3'
Protein context (NP_001041639.1, residues 289-309): LLASGSLSGS[Pro299=]DVEECAPNTG

ClinVar aggregate classification (germline): Likely benign. Review status: criteria provided, multiple submitters, no conflicts (2 of 4 stars). 7 submissions from 7 submitters: Likely benign (7). Last evaluated 2026-01-27.

Conditions:
Hereditary cancer-predisposing syndrome. Also called: Neoplastic Syndromes, Hereditary; Tumor predisposition; Hereditary Cancer Syndrome; Hereditary neoplastic syndrome. Identifiers: Orphanet 140162, MedGen C0027672, MeSH D009386, MONDO:0015356.
Familial adenomatous polyposis 2. Also called: COLORECTAL ADENOMATOUS POLYPOSIS, AUTOSOMAL RECESSIVE; ADENOMAS, MULTIPLE COLORECTAL, AUTOSOMAL RECESSIVE; MYH-associated polyposis; MUTYH-related attenuated familial adenomatous polyposis; MUTYH-associated polyposis; MUTYH Polyposis. Identifiers: Orphanet 220460, Orphanet 247798, MedGen C3272841, MONDO:0012041, OMIM 608456.

Allele frequency attached by ClinVar (database versions not stated): gnomAD exomes below 0.00001; ExAC 0.00002; gnomAD 0.00006 and 0.00007; TOPMed 0.00007; ESP Exome Variant Server 0.00008; 1000 Genomes Project 0.00040; 1000 Genomes Project 30x 0.00062.
gnomAD v4.1: 25 of 1,614,224 alleles (0.0015%); highest among the groups gnomAD compares: African/African-American, 0.016%; no homozygotes.

Submissions (7):

Labcorp Genetics (formerly Invitae), Labcorp
Classification: Likely benign for Familial adenomatous polyposis 2. Last evaluated: 2026-01-27. Review status: criteria provided, single submitter. Criteria: Invitae Variant Classification Sherloc (09022015). Collection method: clinical testing. Allele origin: germline.

All of Us Research Program, National Institutes of Health
Classification: Likely benign for Familial adenomatous polyposis 2. Last evaluated: 2024-05-30. Review status: criteria provided, single submitter. Criteria: ACMG Guidelines, 2015. Collection method: clinical testing. Allele origin: germline. Inheritance: Autosomal recessive inheritance. Observed: 4 variant alleles, 4 heterozygotes.
Comment: This study involves interpretation of variants in research participants for the purpose of population health screening. Participant phenotype was not available at the time of variant classification. Additional details can be found in publication PMID: 35346344, PMCID: PMC8962531

Blueprint Genetics
Classification: Likely benign. Last evaluated: 2021-07-12. Review status: criteria provided, single submitter. Criteria: ACMG Guidelines, 2015. Collection method: clinical testing. Allele origin: germline.

Women's Health and Genetics/Laboratory Corporation of America, LabCorp
Classification: Likely benign. Last evaluated: 2020-10-29. Review status: criteria provided, single submitter. Criteria: LabCorp Variant Classification Summary - May 2015. Collection method: clinical testing. Allele origin: germline.

GeneDx
Classification: Likely benign. Last evaluated: 2020-03-06. Review status: criteria provided, single submitter. Criteria: GeneDx Variant Classification Process June 2021. Collection method: clinical testing. Allele origin: germline. Affected: yes.

Color Diagnostics, LLC DBA Color Health
Classification: Likely benign for Hereditary cancer-predisposing syndrome. Last evaluated: 2016-11-29. Review status: criteria provided, single submitter. Criteria: ACMG Guidelines, 2015. Collection method: clinical testing. Allele origin: germline.

Ambry Genetics
Classification: Likely benign for Hereditary cancer-predisposing syndrome. Last evaluated: 2015-08-03. Review status: criteria provided, single submitter. Criteria: Ambry Variant Classification Scheme 2023. Collection method: clinical testing. Allele origin: germline.